The following is an entry in ClinVar:

ClinVar aggregate classification (germline): Benign (1 of 4 stars; one submission).

Conditions:
Familial cancer of breast. Also called: hereditary breast carcinoma; Hereditary breast cancer; BREAST CANCER, FAMILIAL. Identifiers: Orphanet 227535, MedGen C0346153, MONDO:0016419, OMIM 114480. Disease mechanism: loss of function.

Submission:

Myriad Genetics, Inc.
Classification: Benign for Familial cancer of breast. Last evaluated: 2024-07-25. Review status: criteria provided, single submitter. Criteria: Myriad Autosomal Dominant, Autosomal Recessive and X-Linked Classification Criteria (2023). Collection method: clinical testing. Allele origin: unknown.
Comment: This variant is considered benign. This variant is a silent/synonymous amino acid change and it is not expected to impact splicing.

NM_000465.4(BARD1):c.1482T>C (p.Asn494=)

Gene: BARD1 (BRCA1 associated RING domain 1; minus strand). Cytogenetic location: 2q35.
Variant type: single nucleotide variant.
Coding change: c.1482T>C on transcript NM_000465.4 (MANE Select); coding-DNA position 1482, T replaced by C.
Protein change: p.Asn494=; no amino-acid change (asparagine 494 retained).
Molecular consequence: synonymous variant. On other transcripts: non-coding transcript variant (3), intron variant (3).
Genome position (GRCh38, 1-based): chr2:214,767,568, A>G on the plus strand (T>C on the coding strand, the complement: BARD1 is on the minus strand). VCF-style: chr2-214767568-A-G. GRCh37 (hg19) VCF-style: chr2-215632292-A-G.
Other names: c.1425T>C, p.Asn475= (NM_001282543.2); c.159-15013T>C (NM_001282548.2); c.216-15013T>C (NM_001282545.2); c.364+24729T>C (NM_001282549.2).
Identifiers: ClinVar variation 3378666 (VCV003378666.1).
Genomic context (GRCh38, chr2:214,767,568, plus strand): 5'-AAGTAACAGCTTGACTATATCCACATGCCCATTCTTGGCTGCATCGTGAAGTGGTGAGTC[A>G]TTTTGATACCCGGTGGTGTTCACCAATGCCTTATGCTGGAGCAATAATTCCACTACCTTC-3'
Protein context (NP_000456.2, residues 484-504): KALVNTTGYQ[Asn494=]DSPLHDAAKN